The following is an entry in ClinVar:

ClinVar aggregate classification (germline): Benign (1 of 4 stars; one submission).

Conditions:
Melanoma-pancreatic cancer syndrome. Identifiers: Orphanet 404560, MedGen C1838547, MONDO:0011713, OMIM 606719. Disease mechanism: loss of function.

Submission:

Myriad Genetics, Inc.
Classification: Benign for Melanoma-pancreatic cancer syndrome. Last evaluated: 2025-08-18. Review status: criteria provided, single submitter. Criteria: Myriad Autosomal Dominant, Autosomal Recessive and X-Linked Classification Criteria (2023). Collection method: clinical testing. Allele origin: unknown.
Comment: This variant is considered benign. This variant is intronic and is not expected to impact mRNA splicing.

NM_000077.5(CDKN2A):c.458-24C>A

Gene: CDKN2A (cyclin dependent kinase inhibitor 2A; minus strand). Cytogenetic location: 9p21.3.
Variant type: single nucleotide variant.
Coding change: c.458-24C>A on transcript NM_000077.5 (MANE Select); 24 bases into the intron before coding-DNA position 458, C replaced by A.
Molecular consequence: intron variant.
Genome position (GRCh38, 1-based): chr9:21,968,266, G>T on the plus strand (C>A on the coding strand, the complement: CDKN2A is on the minus strand). VCF-style: chr9-21968266-G-T. GRCh37 (hg19) VCF-style: chr9-21968265-G-T.
Other names: c.305-24C>A (NM_001363763.2); c.*102-24C>A (NM_058195.4); c.*151-24C>A (NM_001195132.2); c.*381-24C>A (NM_058197.5).
Identifiers: ClinVar variation 4294201 (VCV004294201.1).
Genomic context (GRCh38, chr9:21,968,266, plus strand): 5'-TTCTCAGAGCCTCTCTGGTTCTTTCAATCGGGGATGTCTGCAGAGGGCAGAAAGAAAACA[G>T]GCGTTAGAAACCTGAGGTCAAAGATGTGTGGCACATCCCGCCCTCCTCTCTTGCCGTCCC-3'